The following is an entry in ClinVar:

ClinVar aggregate classification (germline): Uncertain significance (1 of 4 stars; one submission).

Conditions:
Hereditary cancer-predisposing syndrome. Also called: Hereditary Cancer Syndrome; Hereditary neoplastic syndrome; Neoplastic Syndromes, Hereditary; Tumor predisposition. Identifiers: Orphanet 140162, MedGen C0027672, MeSH D009386, MONDO:0015356.

Submission:

Ambry Genetics
Classification: Uncertain significance for Hereditary cancer-predisposing syndrome. Last evaluated: 2022-02-15. Review status: criteria provided, single submitter. Criteria: Ambry Variant Classification Scheme 2023. Collection method: clinical testing. Allele origin: germline.
Comment: The p.E1964D variant (also known as c.5892G>T), located in coding exon 43 of the POLE gene, results from a G to T substitution at nucleotide position 5892. The glutamic acid at codon 1964 is replaced by aspartic acid, an amino acid with highly similar properties. This amino acid position is conserved. In addition, this alteration is predicted to be tolerated by in silico analysis. Since supporting evidence is limited at this time, the clinical significance of this alteration remains unclear.

NM_006231.4(POLE):c.5892G>T (p.Glu1964Asp)

Gene: POLE (DNA polymerase epsilon, catalytic subunit; minus strand). Cytogenetic location: 12q24.33.
Variant type: single nucleotide variant.
Coding change: c.5892G>T on transcript NM_006231.4 (MANE Select); coding-DNA position 5892, G replaced by T.
Protein change: p.Glu1964Asp; replaces glutamic acid 1964 with aspartic acid.
Molecular consequence: missense variant.
Genome position (GRCh38, 1-based): chr12:132,634,298, C>A on the plus strand (G>T on the coding strand, the complement: POLE is on the minus strand). VCF-style: chr12-132634298-C-A. GRCh37 (hg19) VCF-style: chr12-133210884-C-A.
Other names: short protein forms E1964D.
Identifiers: ClinVar variation 1750324 (VCV001750324.2), dbSNP rs2041992550, ClinGen allele CA387371654.